The following is an entry in ClinVar:

NM_032119.4(ADGRV1):c.9316dup (p.Glu3106fs)

Gene: ADGRV1 (adhesion G protein-coupled receptor V1; plus strand). Cytogenetic location: 5q14.3.
Variant type: Duplication.
Coding change: c.9316dup on transcript NM_032119.4 (MANE Select); coding-DNA position 9316, one base duplicated (G; older notation c.9316dupG).
Protein change: p.Glu3106fs; shifts the reading frame from glutamic acid 3106.
Molecular consequence: frameshift variant. On other transcripts: non-coding transcript variant (1).
Genome position (GRCh38, 1-based): chr5:90,716,598, G duplicated; the last of 3 consecutive G bases (chr5:90,716,596-90,716,598); duplicating any one gives the same sequence. VCF-style (leftmost placement, unchanged base first): chr5-90716595-C-CG. GRCh37 (hg19) VCF-style: chr5-90012412-C-CG.
Other names: short protein forms E3106fs.
Identifiers: ClinVar variation 2770506 (VCV002770506.3), dbSNP rs2531211348, ClinGen allele CA2674547019.

ClinVar aggregate classification (germline): Pathogenic (1 of 4 stars; one submission).

Submission:

Labcorp Genetics (formerly Invitae), Labcorp
Classification: Pathogenic. Last evaluated: 2023-10-22. Review status: criteria provided, single submitter. Criteria: Invitae Variant Classification Sherloc (09022015). Collection method: clinical testing. Allele origin: germline.
Comment: This sequence change creates a premature translational stop signal (p.Glu3106Glyfs*24) in the ADGRV1 gene. It is expected to result in an absent or disrupted protein product. Loss-of-function variants in ADGRV1 are known to be pathogenic (PMID: 19357117, 22135276, 22147658, 26226137, 30718709, 31047384, 32467589). This variant is not present in population databases (gnomAD no frequency). This variant has not been reported in the literature in individuals affected with ADGRV1-related conditions. For these reasons, this variant has been classified as Pathogenic.

Literature cited by the submitters: PubMed 19357117; PubMed 22135276; PubMed 22147658; PubMed 26226137; PubMed 30718709; PubMed 31047384; PubMed 32467589.